The following is an entry in ClinVar:

NM_000492.4(CFTR):c.3932_3933delinsAATATG (p.Ser1311fs)

Gene: CFTR (CF transmembrane conductance regulator; plus strand). Cytogenetic location: 7q31.2.
Variant type: Indel.
Coding change: c.3932_3933delinsAATATG on transcript NM_000492.4 (MANE Select); coding-DNA positions 3932 to 3933, GT replaced by AATATG.
Protein change: p.Ser1311fs; shifts the reading frame from serine 1311.
Molecular consequence: frameshift variant.
Genome position (GRCh38, 1-based): chr7:117,652,900-117,652,901, GT replaced by AATATG. VCF-style: chr7-117652900-GT-AATATG. GRCh37 (hg19) VCF-style: chr7-117292954-GT-AATATG.
Other names: short protein forms S1311fs.
Identifiers: ClinVar variation 3241146 (VCV003241146.2), dbSNP rs2485171217.

ClinVar aggregate classification (germline): Likely pathogenic. Review status: criteria provided, multiple submitters, no conflicts (2 of 4 stars). 2 submissions from 2 submitters: Likely pathogenic (2). Last evaluated 2025-05-21.

Conditions:
CFTR-related disorder (CFTR-RD). Also called: CFTR-related disorders; CFTR-related condition. Identifiers: MedGen C5924204, MONDO:7770004.
Bronchiectasis with or without elevated sweat chloride 1 (BESC1). Also called: Cystic Fibrosis-Like Syndrome. Identifiers: Orphanet 60033, MedGen C2749757, MONDO:0008887, OMIM 211400.

Submissions (2):

Natera, Inc.
Classification: Likely pathogenic for CFTR-related disorders. Last evaluated: 2025-05-21. Review status: criteria provided, single submitter. Criteria: Natera Variant Classification Schema (03/2026). Collection method: clinical testing. Allele origin: germline.
Comment: The c.3932_3933delGTinsAATATG variant in CFTR is a frameshift variant predicted to shift the reading frame beginning at codon 1311 and leads to a stop codon 12 codons downstream. This variant is expected to result in nonsense mediated decay, truncation, or a dysfunctional protein product. This variant is rare in the general population with a frequency below the threshold expected for the associated phenotype(s). Given the available evidence, this variant is classified as Likely Pathogenic.

Baylor Genetics
Classification: Likely pathogenic for Bronchiectasis with or without elevated sweat chloride 1. Last evaluated: 2023-11-26. Review status: criteria provided, single submitter. Criteria: ACMG Guidelines, 2015. Collection method: clinical testing. Allele origin: unknown.